The following is an entry in ClinVar:

ClinVar aggregate classification (germline): Pathogenic (1 of 4 stars; one submission).

Conditions:
Familial thoracic aortic aneurysm and aortic dissection (TAAD). Also called: Thoracic aortic aneurysms and dissections. Identifiers: Orphanet 91387, MedGen C4707243, MONDO:0019625.

Submission:

Labcorp Genetics (formerly Invitae), Labcorp
Classification: Pathogenic for Familial thoracic aortic aneurysm and aortic dissection. Last evaluated: 2023-08-10. Review status: criteria provided, single submitter. Criteria: Invitae Variant Classification Sherloc (09022015). Collection method: clinical testing. Allele origin: germline.
Comment: This sequence change replaces lysine, which is basic and polar, with asparagine, which is neutral and polar, at codon 277 of the TGFBR2 protein (p.Lys277Asn). This variant is not present in population databases (gnomAD no frequency). This missense change has been observed in individual(s) with clinical features of TGFBR2-related conditions (Invitae). In at least one individual the variant was observed to be de novo. Advanced modeling performed at Invitae incorporating data from internal and/or published experimental studies (Invitae) indicates that this missense variant is expected to disrupt TGFBR2 function. For these reasons, this variant has been classified as Pathogenic.

NM_003242.6(TGFBR2):c.831G>C (p.Lys277Asn)

Gene: TGFBR2 (transforming growth factor beta receptor 2; plus strand). Cytogenetic location: 3p24.1.
Variant type: single nucleotide variant.
Coding change: c.831G>C on transcript NM_003242.6 (MANE Select); coding-DNA position 831, G replaced by C.
Protein change: p.Lys277Asn; replaces lysine 277 with asparagine.
Molecular consequence: missense variant. On other transcripts: intron variant (1).
Genome position (GRCh38, 1-based): chr3:30,672,014, G>C. VCF-style: chr3-30672014-G-C. GRCh37 (hg19) VCF-style: chr3-30713506-G-C.
Other names: c.906G>C, p.Lys302Asn (NM_001024847.3); c.1014G>C, p.Lys338Asn (NM_001407126.1); c.939G>C, p.Lys313Asn (NM_001407127.1); c.858G>C, p.Lys286Asn (NM_001407128.1); c.834G>C, p.Lys278Asn (NM_001407129.1); c.831G>C, p.Lys277Asn (NM_001407130.1); c.726G>C, p.Lys242Asn (NM_001407132.1, NM_001407133.1, NM_001407134.1 and 2 more transcripts); c.546G>C, p.Lys182Asn (NM_001407137.1); and 2 more; short protein forms K338N, K242N, K277N, K278N, K286N, K302N, K157N, K182N.
Identifiers: ClinVar variation 2863715 (VCV002863715.3), dbSNP rs886038794, ClinGen allele CA351807964.